The following is an entry in ClinVar:

NM_001365276.2(TNXB):c.1678C>T (p.Pro560Ser)

Gene: TNXB (tenascin XB; minus strand). Cytogenetic location: 6p21.33.
Variant type: single nucleotide variant.
Coding change: c.1678C>T on transcript NM_001365276.2 (MANE Select); coding-DNA position 1678, C replaced by T.
Protein change: p.Pro560Ser; replaces proline 560 with serine.
Molecular consequence: missense variant.
Genome position (GRCh38, 1-based): chr6:32,096,175, G>A on the plus strand (C>T on the coding strand, the complement: TNXB is on the minus strand). VCF-style: chr6-32096175-G-A. GRCh37 (hg19) VCF-style: chr6-32063952-G-A.
Other names: c.1678C>T, p.Pro560Ser (NM_019105.8); short protein forms P560S.
Identifiers: ClinVar variation 1777835 (VCV001777835.2), dbSNP rs2483754982, ClinGen allele CA363478611.

ClinVar aggregate classification (germline): Uncertain significance (1 of 4 stars; one submission).

Conditions:
Cardiovascular phenotype. Identifiers: MedGen CN230736.

Allele frequency attached by ClinVar (database versions not stated): gnomAD exomes below 0.00001.
gnomAD v4.1: 1 of 1,573,140 alleles (0.000064%); highest among the groups gnomAD compares: Non-Finnish European, 0.000086%; no homozygotes.

Submission:

Ambry Genetics
Classification: Uncertain significance for Cardiovascular phenotype. Last evaluated: 2021-09-21. Review status: criteria provided, single submitter. Criteria: Ambry Variant Classification Scheme 2023. Collection method: clinical testing. Allele origin: germline.
Comment: The p.P560S variant (also known as c.1678C>T), located in coding exon 2 of the TNXB gene, results from a C to T substitution at nucleotide position 1678. The proline at codon 560 is replaced by serine, an amino acid with similar properties. This amino acid position is conserved. In addition, this alteration is predicted to be tolerated by in silico analysis. Since supporting evidence is limited at this time, the clinical significance of this alteration remains unclear.